The following is an entry in ClinVar:

ClinVar aggregate classification (germline): Uncertain significance. Review status: criteria provided, single submitter (1 of 4 stars). 2 submissions from 2 submitters: Uncertain significance (1). 1 of the submissions does not count toward it. Last evaluated 2024-11-04.

Conditions:
MLC1-related disorder. Also called: MLC1-related condition.

Submissions (2):

Labcorp Genetics (formerly Invitae), Labcorp
Classification: Uncertain significance. Last evaluated: 2024-11-04. Review status: criteria provided, single submitter. Criteria: Invitae Variant Classification Sherloc (09022015). Collection method: clinical testing. Allele origin: germline.
Comment: This variant, c.927_929del, results in the deletion of 1 amino acid(s) of the MLC1 protein (p.Leu310del), but otherwise preserves the integrity of the reading frame. The frequency data for this variant in the population databases is considered unreliable, as metrics indicate poor data quality at this position in the gnomAD database. This variant has not been reported in the literature in individuals affected with MLC1-related conditions. Experimental studies and prediction algorithms are not available or were not evaluated, and the functional significance of this variant is currently unknown. In summary, the available evidence is currently insufficient to determine the role of this variant in disease. Therefore, it has been classified as a Variant of Uncertain Significance.

PreventionGenetics, part of Exact Sciences
Classification: Likely benign for MLC1-related condition. Last evaluated: 2021-03-24. Review status: no assertion criteria provided. Collection method: clinical testing. Allele origin: germline. Not counted in ClinVar's aggregate classification.
Comment: This variant is classified as likely benign based on ACMG/AMP sequence variant interpretation guidelines (Richards et al. 2015 PMID: 25741868, with internal and published modifications).

NM_015166.4(MLC1):c.909GCT[6] (p.Leu310del)

Gene: MLC1 (modulator of VRAC current 1; minus strand). Cytogenetic location: 22q13.33.
Variant type: Microsatellite.
Coding change: c.909GCT[6] on transcript NM_015166.4 (MANE Select); six copies in a row of the 3-base unit GCT starting at c.909; the reference has seven copies in a row; one copy, 3 bases deleted.
Protein change: p.Leu310del; deletes leucine 310.
Molecular consequence: inframe deletion. On other transcripts: non-coding transcript variant (3).
Genome position (GRCh38, 1-based): chr22:50,064,164-50,064,166, AGC deleted on the plus strand (GCT on the coding strand, the reverse complement: MLC1 is on the minus strand); deleting any 3 consecutive bases within chr22:50,064,164-50,064,185 gives the same sequence; the position shown is the placement nearest the transcript's 3' end. VCF-style (leftmost placement, unchanged base first): chr22-50064163-TAGC-T. GRCh37 (hg19) VCF-style: chr22-50502592-TAGC-T.
Other names: c.909GCT[6], p.Leu310del (NM_001376472.1, NM_001376473.1, NM_001376474.1 and 5 more transcripts); c.852GCT[6], p.Leu291del (NM_001376479.1); c.819GCT[6], p.Leu280del (NM_001376480.1); c.807GCT[6], p.Leu276del (NM_001376481.1); c.753GCT[6], p.Leu258del (NM_001376482.1, NM_001376483.1); c.672GCT[6], p.Leu231del (NM_001376484.1); c.927_929delGCT (NM_015166.3); short protein forms L231del, L310del, L258del, L280del, L291del, L276del.
Identifiers: ClinVar variation 2042041 (VCV002042041.4), dbSNP rs761096481, ClinGen allele CA10303292.